The following is an entry in ClinVar:

ClinVar aggregate classification (germline): Uncertain significance (1 of 4 stars; one submission).

Conditions:
Myofibrillar myopathy 4. Also called: Zaspopathy (type). Identifiers: Orphanet 98912, MedGen C4721886, MONDO:0012277, OMIM 609452.

Submission:

Labcorp Genetics (formerly Invitae), Labcorp
Classification: Uncertain significance for Myofibrillar myopathy 4. Last evaluated: 2022-08-15. Review status: criteria provided, single submitter. Criteria: Invitae Variant Classification Sherloc (09022015). Collection method: clinical testing. Allele origin: germline.
Comment: In summary, the available evidence is currently insufficient to determine the role of this variant in disease. Therefore, it has been classified as a Variant of Uncertain Significance. This variant has not been reported in the literature in individuals affected with LDB3-related conditions. This variant results in a copy number gain of the genomic region encompassing exon(s) 1-4 of the LDB3 gene. This region includes the initiator codon of the gene. This copy number gain extends beyond the assayed region for this gene and therefore may encompass additional genes. As the precise location of this event is unknown, it may be in tandem or it may be located elsewhere in the genome.

NC_000010.10:g.(?_88428443)_(88428547_?)dup

Gene: LDB3 (LIM domain binding 3; plus strand). Cytogenetic location: 10q23.2.
Variant type: Duplication.
Identifiers: ClinVar variation 1015629 (VCV001015629.8).